The following is an entry in ClinVar:

NM_001377.3(DYNC2H1):c.4919G>T (p.Cys1640Phe)

Gene: DYNC2H1 (dynein cytoplasmic 2 heavy chain 1; plus strand). Cytogenetic location: 11q22.3.
Variant type: single nucleotide variant.
Coding change: c.4919G>T on transcript NM_001377.3 (MANE Select); coding-DNA position 4919, G replaced by T.
Protein change: p.Cys1640Phe; replaces cysteine 1640 with phenylalanine.
Molecular consequence: missense variant.
Genome position (GRCh38, 1-based): chr11:103,168,911, G>T. VCF-style: chr11-103168911-G-T. GRCh37 (hg19) VCF-style: chr11-103039640-G-T.
Other names: c.4919G>T, p.Cys1640Phe (NM_001080463.2); short protein forms C1640F.
Identifiers: ClinVar variation 1465212 (VCV001465212.6), dbSNP rs776388776, ClinGen allele CA382240560.

ClinVar aggregate classification (germline): Uncertain significance (1 of 4 stars; one submission).

Conditions:
Jeune thoracic dystrophy. Also called: Jeune syndrome; Infantile thoracic dystrophy; Thoracic pelvic phalangeal dystrophy; Jeune's syndrome; Chondroectodermal dysplasia-like syndrome; Short-rib thoracic dysplasia. Identifiers: Orphanet 474, MedGen C0265275, MONDO:0018770.

Allele frequency attached by ClinVar (database versions not stated): TOPMed below 0.00001.

Submission:

Labcorp Genetics (formerly Invitae), Labcorp
Classification: Uncertain significance for Jeune thoracic dystrophy. Last evaluated: 2023-08-24. Review status: criteria provided, single submitter. Criteria: Invitae Variant Classification Sherloc (09022015). Collection method: clinical testing. Allele origin: germline.
Comment: In summary, the available evidence is currently insufficient to determine the role of this variant in disease. Therefore, it has been classified as a Variant of Uncertain Significance. Advanced modeling of protein sequence and biophysical properties (such as structural, functional, and spatial information, amino acid conservation, physicochemical variation, residue mobility, and thermodynamic stability) performed at Invitae indicates that this missense variant is expected to disrupt DYNC2H1 protein function. ClinVar contains an entry for this variant (Variation ID: 1465212). This variant has not been reported in the literature in individuals affected with DYNC2H1-related conditions. This variant is not present in population databases (gnomAD no frequency). This sequence change replaces cysteine, which is neutral and slightly polar, with phenylalanine, which is neutral and non-polar, at codon 1640 of the DYNC2H1 protein (p.Cys1640Phe).